The following is an entry in ClinVar:

ClinVar aggregate classification (germline): Likely benign (1 of 4 stars; one submission).

Conditions:
Peutz-Jeghers syndrome (PJS). Also called: POLYPOSIS, HAMARTOMATOUS INTESTINAL; POLYPS-AND-SPOTS SYNDROME; Peutz-Jeghers polyposis; Periorificial lentiginosis syndrome. Identifiers: Orphanet 2869, MedGen C0031269, MeSH D010580, MONDO:0008280, OMIM 175200.

Submission:

Myriad Genetics, Inc.
Classification: Likely benign for Peutz-Jeghers syndrome. Last evaluated: 2025-03-26. Review status: criteria provided, single submitter. Criteria: Myriad Autosomal Dominant, Autosomal Recessive and X-Linked Classification Criteria (2023). Collection method: clinical testing. Allele origin: unknown.
Comment: This variant is considered likely benign. This variant is intronic and is not expected to impact mRNA splicing.

NM_000455.5(STK11):c.598-10A>C

Gene: STK11 (serine/threonine kinase 11; plus strand). Cytogenetic location: 19p13.3.
Variant type: single nucleotide variant.
Coding change: c.598-10A>C on transcript NM_000455.5 (MANE Select); 10 bases into the intron before coding-DNA position 598, A replaced by C.
Molecular consequence: intron variant.
Genome position (GRCh38, 1-based): chr19:1,220,571, A>C. VCF-style: chr19-1220571-A-C. GRCh37 (hg19) VCF-style: chr19-1220570-A-C.
Other names: c.598-10A>C (NM_001407255.1).
Identifiers: ClinVar variation 3903493 (VCV003903493.1).